The following is an entry in ClinVar:

NM_004448.4(ERBB2):c.1831A>G (p.Met611Val)

Gene: ERBB2 (erb-b2 receptor tyrosine kinase 2; plus strand). Cytogenetic location: 17q12.
Variant type: single nucleotide variant.
Coding change: c.1831A>G on transcript NM_004448.4 (MANE Select); coding-DNA position 1831, A replaced by G.
Protein change: p.Met611Val; replaces methionine 611 with valine.
Molecular consequence: missense variant. On other transcripts: non-coding transcript variant (1), intron variant (1).
Genome position (GRCh38, 1-based): chr17:39,717,413, A>G. VCF-style: chr17-39717413-A-G. GRCh37 (hg19) VCF-style: chr17-37873666-A-G.
Other names: c.1741A>G, p.Met581Val (NM_001005862.3, NM_001289938.2, NM_001382782.1 and 1 more transcripts); c.1786A>G, p.Met596Val (NM_001289936.2); c.1831A>G, p.Met611Val (NM_001289937.2, NM_001382792.1, NM_001382793.1 and 9 more transcripts); c.1948A>G, p.Met650Val (NM_001382784.1, NM_001382786.1); c.1933A>G, p.Met645Val (NM_001382785.1); c.1906A>G, p.Met636Val (NM_001382787.1); c.1861A>G, p.Met621Val (NM_001382788.1); c.1852A>G, p.Met618Val (NM_001382789.1); and 6 more; short protein forms M581V, M611V, M596V, M608V, M621V, M610V, M335V, M525V.
Identifiers: ClinVar variation 2178547 (VCV002178547.4), dbSNP rs377370642, ClinGen allele CA8534124.

ClinVar aggregate classification (germline): Uncertain significance (1 of 4 stars; one submission).

Allele frequency attached by ClinVar (database versions not stated): ExAC 0.00001; TOPMed 0.00002; ESP Exome Variant Server 0.00008.
gnomAD v4.1: 20 of 1,613,030 alleles (0.0012%); highest among the groups gnomAD compares: Non-Finnish European, 0.0017%; no homozygotes.

Submission:

Labcorp Genetics (formerly Invitae), Labcorp
Classification: Uncertain significance. Last evaluated: 2025-11-22. Review status: criteria provided, single submitter. Criteria: Invitae Variant Classification Sherloc (09022015). Collection method: clinical testing. Allele origin: germline.
Comment: This sequence change replaces methionine, which is neutral and non-polar, with valine, which is neutral and non-polar, at codon 611 of the ERBB2 protein (p.Met611Val). This variant is present in population databases (rs377370642, gnomAD 0.0009%). This variant has not been reported in the literature in individuals affected with ERBB2-related conditions. ClinVar contains an entry for this variant (Variation ID: 2178547). Invitae Evidence Modeling of protein sequence and biophysical properties (such as structural, functional, and spatial information, amino acid conservation, physicochemical variation, residue mobility, and thermodynamic stability) has been performed for this missense variant. However, the output from this modeling did not meet the statistical confidence thresholds required to predict the impact of this variant on ERBB2 protein function. In summary, the available evidence is currently insufficient to determine the role of this variant in disease. Therefore, it has been classified as a Variant of Uncertain Significance.